The following is an entry in ClinVar:

NM_000264.5(PTCH1):c.3272_3273del (p.Gly1091fs)

Gene: PTCH1 (patched 1; minus strand). Cytogenetic location: 9q22.32.
Variant type: Deletion.
Coding change: c.3272_3273del on transcript NM_000264.5 (MANE Select); coding-DNA positions 3272 to 3273, 2 bases deleted (GC; older notation c.3272_3273delGC).
Protein change: p.Gly1091fs; shifts the reading frame from glycine 1091.
Molecular consequence: frameshift variant. On other transcripts: non-coding transcript variant (1).
Genome position (GRCh38, 1-based): chr9:95,456,309-95,456,310, GC deleted on the plus strand (GC on the coding strand, the reverse complement: PTCH1 is on the minus strand). VCF-style (leftmost placement, unchanged base first): chr9-95456308-TGC-T. GRCh37 (hg19) VCF-style: chr9-98218590-TGC-T.
Other names: c.3074_3075del, p.Gly1025fs (NM_001083602.3); c.3269_3270del, p.Gly1090fs (NM_001083603.3); c.2819_2820del, p.Gly940fs (NM_001083604.3, NM_001083605.3, NM_001083606.3 and 1 more transcripts); c.3116_3117del, p.Gly1039fs (NM_001354918.2); short protein forms G1025fs, G1039fs, G1090fs, G1091fs, G940fs.
Identifiers: ClinVar variation 3068417 (VCV003068417.1), dbSNP rs2538056280, ClinGen allele CA2825001641.

ClinVar aggregate classification (germline): Likely pathogenic (1 of 4 stars; one submission).

Conditions:
Holoprosencephaly 7 (HPE7). Identifiers: Orphanet 2162, MedGen C1835820, MONDO:0012562, OMIM 610828.

Submission:

MVZ Medizinische Genetik Mainz
Classification: Likely pathogenic for Holoprosencephaly 7. Last evaluated: 2022-10-31. Review status: criteria provided, single submitter. Criteria: UK Practice Guidelines For Variant Classification V4 01 2020. Collection method: clinical testing. Allele origin: germline. Inheritance: Autosomal dominant inheritance. Affected: yes. Observed: 1 variant allele.
Comment: ACMG Criteria: PVS1, PM2_SUP (ACMG Version 4)